The following is an entry in ClinVar:

NM_001330078.2(NRXN1):c.3541C>T (p.His1181Tyr)

Gene: NRXN1 (neurexin 1; minus strand). Cytogenetic location: 2p16.3.
Variant type: single nucleotide variant.
Coding change: c.3541C>T on transcript NM_001330078.2 (MANE Select); coding-DNA position 3541, C replaced by T.
Protein change: p.His1181Tyr; replaces histidine 1181 with tyrosine.
Molecular consequence: missense variant.
Genome position (GRCh38, 1-based): chr2:50,236,794, G>A on the plus strand (C>T on the coding strand, the complement: NRXN1 is on the minus strand). VCF-style: chr2-50236794-G-A. GRCh37 (hg19) VCF-style: chr2-50463932-G-A.
Other names: c.3661C>T (NM_001135659.1); c.3661C>T, p.His1221Tyr (NM_001135659.3); c.3517C>T, p.His1173Tyr (NM_001330077.2, NM_001330082.2); c.3475C>T, p.His1159Tyr (NM_001330083.2, NM_001330084.2); c.3514C>T, p.His1172Tyr (NM_001330085.2); c.3541C>T, p.His1181Tyr (NM_001330086.2, NM_004801.6); c.3430C>T, p.His1144Tyr (NM_001330087.2, NM_001330096.2); c.3460C>T, p.His1154Tyr (NM_001330088.2); and 4 more; short protein forms H1173Y, H1144Y, H1172Y, H1154Y, H1159Y, H1177Y, H1180Y, H1181Y.
Identifiers: ClinVar variation 1420398 (VCV001420398.9), dbSNP rs377333818, ClinGen allele CA346820779.

ClinVar aggregate classification (germline): Uncertain significance. Review status: criteria provided, multiple submitters, no conflicts (2 of 4 stars). 2 submissions from 2 submitters: Uncertain significance (2). Last evaluated 2024-02-17.

Conditions:
Inborn genetic diseases. Identifiers: MedGen C0950123, MeSH D030342.
Pitt-Hopkins-like syndrome 2 (PTHSL2). Identifiers: Orphanet 221150, Orphanet 600663, MedGen C3280479, MONDO:0013690, OMIM 614325.

gnomAD v4.1: 2 of 1,612,458 alleles (0.00012%); highest among the groups gnomAD compares: Non-Finnish European, 0.00017%; no homozygotes.

Submissions (2):

Labcorp Genetics (formerly Invitae), Labcorp
Classification: Uncertain significance for Pitt-Hopkins-like syndrome 2. Last evaluated: 2024-02-17. Review status: criteria provided, single submitter. Criteria: Invitae Variant Classification Sherloc (09022015). Collection method: clinical testing. Allele origin: germline.
Comment: This sequence change replaces histidine, which is basic and polar, with tyrosine, which is neutral and polar, at codon 1221 of the NRXN1 protein (p.His1221Tyr). This variant is present in population databases (no rsID available, gnomAD 0.007%). This variant has not been reported in the literature in individuals affected with NRXN1-related conditions. ClinVar contains an entry for this variant (Variation ID: 1420398). Advanced modeling of protein sequence and biophysical properties (such as structural, functional, and spatial information, amino acid conservation, physicochemical variation, residue mobility, and thermodynamic stability) performed at Invitae indicates that this missense variant is not expected to disrupt NRXN1 protein function with a negative predictive value of 80%. In summary, the available evidence is currently insufficient to determine the role of this variant in disease. Therefore, it has been classified as a Variant of Uncertain Significance.

Ambry Genetics
Classification: Uncertain significance for Inborn genetic diseases. Last evaluated: 2023-03-21. Review status: criteria provided, single submitter. Criteria: Ambry Variant Classification Scheme 2023. Collection method: clinical testing. Allele origin: germline.